The following is an entry in ClinVar:

NM_003500.4(ACOX2):c.275G>A (p.Arg92Gln)

Gene: ACOX2 (acyl-CoA oxidase 2; minus strand). Cytogenetic location: 3p14.3.
Variant type: single nucleotide variant.
Coding change: c.275G>A on transcript NM_003500.4 (MANE Select); coding-DNA position 275, G replaced by A.
Protein change: p.Arg92Gln; replaces arginine 92 with glutamine.
Molecular consequence: missense variant.
Genome position (GRCh38, 1-based): chr3:58,534,408, C>T on the plus strand (G>A on the coding strand, the complement: ACOX2 is on the minus strand). VCF-style: chr3-58534408-C-T. GRCh37 (hg19) VCF-style: chr3-58520135-C-T.
Other names: short protein forms R92Q.
Identifiers: ClinVar variation 3658120 (VCV003658120.2).
Genomic context (GRCh38, chr3:58,534,408, plus strand): 5'-AGGAGTGAGCACCTGTAAGCGTAGCCTAATTCACGACCATCTTCTAACCAACCCAGGCGC[C>T]GAGCTATCAACCGGATGTGGAATGCCCTCCGCATGGCAGCCTTATAACGCTCATTCTGGG-3'
Protein context (NP_003491.1, residues 82-102): RRAFHIRLIA[Arg92Gln]RLGWLEDGRE

ClinVar aggregate classification (germline): Uncertain significance (1 of 4 stars; one submission).

gnomAD v4.1: 211 of 1,614,156 alleles (0.013%); highest among the groups gnomAD compares: Non-Finnish European, 0.017%; no homozygotes.

Submission:

Labcorp Genetics (formerly Invitae), Labcorp
Classification: Uncertain significance. Last evaluated: 2024-02-17. Review status: criteria provided, single submitter. Criteria: Invitae Variant Classification Sherloc (09022015). Collection method: clinical testing. Allele origin: germline.
Comment: This sequence change replaces arginine, which is basic and polar, with glutamine, which is neutral and polar, at codon 92 of the ACOX2 protein (p.Arg92Gln). This variant is present in population databases (rs201784206, gnomAD 0.01%). This variant has not been reported in the literature in individuals affected with ACOX2-related conditions. Advanced modeling of protein sequence and biophysical properties (such as structural, functional, and spatial information, amino acid conservation, physicochemical variation, residue mobility, and thermodynamic stability) performed at Invitae indicates that this missense variant is not expected to disrupt ACOX2 protein function with a negative predictive value of 80%. In summary, the available evidence is currently insufficient to determine the role of this variant in disease. Therefore, it has been classified as a Variant of Uncertain Significance.